The following is an entry in ClinVar:

NM_001267550.2(TTN):c.107777C>T (p.Pro35926Leu)

Genes: TTN-AS1 (TTN antisense RNA 1; plus strand), TTN (titin; minus strand). Cytogenetic location: 2q31.2.
Variant type: single nucleotide variant.
Coding change: c.107777C>T on transcript NM_001267550.2 (MANE Select); coding-DNA position 107777, C replaced by T.
Protein change: p.Pro35926Leu; replaces proline 35926 with leucine.
Molecular consequence: missense variant.
Genome position (GRCh38, 1-based): chr2:178,527,211, G>A on the plus strand (C>T on the coding strand, the complement: TTN is on the minus strand). VCF-style: chr2-178527211-G-A. GRCh37 (hg19) VCF-style: chr2-179391938-G-A.
Other names: c.102854C>T, p.Pro34285Leu (NM_001256850.1); c.80582C>T, p.Pro26861Leu (NM_003319.4); c.100073C>T, p.Pro33358Leu (NM_133378.4); c.80957C>T, p.Pro26986Leu (NM_133432.3); c.81158C>T, p.Pro27053Leu (NM_133437.4); short protein forms P26986L, P27053L, P33358L, P35926L, P26861L, P34285L.
Identifiers: ClinVar variation 2930273 (VCV002930273.3), dbSNP rs749774302, ClinGen allele CA349399187.

ClinVar aggregate classification (germline): Uncertain significance (1 of 4 stars; one submission).

Conditions:
Dilated cardiomyopathy 1G (CMD1G). Identifiers: Orphanet 154, MedGen C1858763, MONDO:0011400, OMIM 604145.
Autosomal recessive limb-girdle muscular dystrophy type 2J (LGMDR10). Also called: MUSCULAR DYSTROPHY, LIMB-GIRDLE, AUTOSOMAL RECESSIVE 10; Limb-girdle muscular dystrophy, type 2J. Identifiers: Orphanet 140922, MedGen C1837342, MONDO:0012127, OMIM 608807.

Submission:

Labcorp Genetics (formerly Invitae), Labcorp
Classification: Uncertain significance for Dilated cardiomyopathy 1G; Autosomal recessive limb-girdle muscular dystrophy type 2J. Last evaluated: 2024-11-11. Review status: criteria provided, single submitter. Criteria: Invitae Variant Classification Sherloc (09022015). Collection method: clinical testing. Allele origin: germline.
Comment: This sequence change replaces proline, which is neutral and non-polar, with leucine, which is neutral and non-polar, at codon 35926 of the TTN protein (p.Pro35926Leu). This variant is present in population databases (no rsID available, gnomAD 0.0009%). This variant has not been reported in the literature in individuals affected with TTN-related conditions. ClinVar contains an entry for this variant (Variation ID: 2930273). Experimental studies and prediction algorithms are not available or were not evaluated, and the functional significance of this variant is currently unknown. In summary, the available evidence is currently insufficient to determine the role of this variant in disease. Therefore, it has been classified as a Variant of Uncertain Significance.